The following is an entry in ClinVar:

ClinVar aggregate classification (germline): Uncertain significance (1 of 4 stars; one submission).

gnomAD v4.1: 3 of 1,210,632 alleles (0.00025%); highest among the groups gnomAD compares: Non-Finnish European, 0.00034%; no homozygotes.

Submission:

GeneDx
Classification: Uncertain significance. Last evaluated: 2026-01-30. Review status: criteria provided, single submitter. Criteria: GeneDx Variant Classification Process June 2021. Collection method: clinical testing. Allele origin: germline.
Comment: Not observed at significant frequency in large population cohorts (gnomAD); In silico analysis suggests that this missense variant does not alter protein structure/function; Has not been previously published as pathogenic or benign to our knowledge

NM_014271.4(IL1RAPL1):c.1776G>A (p.Met592Ile)

Gene: IL1RAPL1 (interleukin 1 receptor accessory protein like 1; plus strand). Cytogenetic location: Xp21.2.
Variant type: single nucleotide variant.
Coding change: c.1776G>A on transcript NM_014271.4 (MANE Select); coding-DNA position 1776, G replaced by A.
Protein change: p.Met592Ile; replaces methionine 592 with isoleucine.
Molecular consequence: missense variant.
Genome position (GRCh38, 1-based): chrX:29,955,505, G>A. VCF-style: chrX-29955505-G-A. GRCh37 (hg19) VCF-style: chrX-29973622-G-A.
Other names: short protein forms M592I.
Identifiers: ClinVar variation 4975591 (VCV004975591.1).